The following is an entry in ClinVar:

NM_004069.6(AP2S1):c.3+638G>A

Gene: AP2S1 (adaptor related protein complex 2 subunit sigma 1; minus strand). Cytogenetic location: 19q13.32.
Variant type: single nucleotide variant.
Coding change: c.3+638G>A on transcript NM_004069.6 (MANE Select); 638 bases into the intron after coding-DNA position 3, G replaced by A.
Molecular consequence: intron variant.
Genome position (GRCh38, 1-based): chr19:46,850,126, C>T on the plus strand (G>A on the coding strand, the complement: AP2S1 is on the minus strand). VCF-style: chr19-46850126-C-T. GRCh37 (hg19) VCF-style: chr19-47353383-C-T.
Other names: c.3+638G>A (NM_021575.5, NM_001301078.3); c.9+530G>A (NM_001301081.3); c.51+8G>A (NM_001301076.3).
Identifiers: ClinVar variation 3053956 (VCV003053956.2), dbSNP rs557497251, ClinGen allele CA309100920.

ClinVar aggregate classification (germline): Likely benign (0 of 4 stars; one submission).

Conditions:
AP2S1-related disorder. Also called: AP2S1-related condition.

gnomAD v4.1: 407 of 1,231,720 alleles (0.033%); highest among the groups gnomAD compares: Non-Finnish European, 0.039%; no homozygotes.

Submission:

PreventionGenetics, part of Exact Sciences
Classification: Likely benign for AP2S1-related condition. Last evaluated: 2022-02-24. Review status: no assertion criteria provided. Collection method: clinical testing. Allele origin: germline.
Comment: This variant is classified as likely benign based on ACMG/AMP sequence variant interpretation guidelines (Richards et al. 2015 PMID: 25741868, with internal and published modifications).